The following is an entry in ClinVar:

ClinVar aggregate classification (germline): Uncertain significance (1 of 4 stars; one submission).

Conditions:
Holocarboxylase synthetase deficiency. Also called: MULTIPLE CARBOXYLASE DEFICIENCY, EARLY ONSET. Identifiers: Orphanet 79242, MedGen C0268581, MONDO:0009666, OMIM 253270.

Allele frequency attached by ClinVar (database versions not stated): gnomAD exomes below 0.00001.
gnomAD v4.1: 1 of 1,614,174 alleles (0.000062%); highest among the groups gnomAD compares: Admixed American, 0.0017%; no homozygotes.

Submission:

Labcorp Genetics (formerly Invitae), Labcorp
Classification: Uncertain significance for Holocarboxylase synthetase deficiency. Last evaluated: 2022-04-10. Review status: criteria provided, single submitter. Criteria: Invitae Variant Classification Sherloc (09022015). Collection method: clinical testing. Allele origin: germline.
Comment: In summary, the available evidence is currently insufficient to determine the role of this variant in disease. Therefore, it has been classified as a Variant of Uncertain Significance. Advanced modeling of protein sequence and biophysical properties (such as structural, functional, and spatial information, amino acid conservation, physicochemical variation, residue mobility, and thermodynamic stability) performed at Invitae indicates that this missense variant is not expected to disrupt HLCS protein function. This variant has not been reported in the literature in individuals affected with HLCS-related conditions. This variant is not present in population databases (gnomAD no frequency). This sequence change replaces alanine, which is neutral and non-polar, with threonine, which is neutral and polar, at codon 391 of the HLCS protein (p.Ala391Thr).

NM_001352514.2(HLCS):c.1612G>A (p.Ala538Thr)

Gene: HLCS (holocarboxylase synthetase; minus strand). Cytogenetic location: 21q22.13.
Variant type: single nucleotide variant.
Coding change: c.1612G>A on transcript NM_001352514.2 (MANE Select); coding-DNA position 1612, G replaced by A.
Protein change: p.Ala538Thr; replaces alanine 538 with threonine.
Molecular consequence: missense variant. On other transcripts: non-coding transcript variant (2).
Genome position (GRCh38, 1-based): chr21:36,930,259, C>T on the plus strand (G>A on the coding strand, the complement: HLCS is on the minus strand). VCF-style: chr21-36930259-C-T. GRCh37 (hg19) VCF-style: chr21-38302559-C-T.
Other names: c.1171G>A, p.Ala391Thr (NM_000411.8, NM_001242784.3, NM_001242785.2 and 4 more transcripts); short protein forms A538T, A391T.
Identifiers: ClinVar variation 1919466 (VCV001919466.4), dbSNP rs2517546240, ClinGen allele CA409910981.
Genomic context (GRCh38, chr21:36,930,259, plus strand): 5'-GTGAAGAGGGCCACGTCACAGCGCGCTCTGCCCAGCTGAGCCCACAACTCACCTCCGCAG[C>T]TGACAGCAAGTAAAGAGGAGTTAAGGCAGGAACTTGTTTCATGTCACAGCTGAGGCCAAG-3'
Protein context (NP_001339443.1, residues 528-548): PALTPLYLLS[Ala538Thr]AEEIRDPLMQ